The following is an entry in ClinVar:

ClinVar aggregate classification (germline): Uncertain significance (1 of 4 stars; one submission).

Conditions:
Jeune thoracic dystrophy. Also called: Infantile thoracic dystrophy; Thoracic pelvic phalangeal dystrophy; Jeune's syndrome; Chondroectodermal dysplasia-like syndrome; Jeune syndrome; Short-rib thoracic dysplasia. Identifiers: Orphanet 474, MedGen C0265275, MONDO:0018770.

Submission:

Labcorp Genetics (formerly Invitae), Labcorp
Classification: Uncertain significance for Jeune thoracic dystrophy. Last evaluated: 2019-10-24. Review status: criteria provided, single submitter. Criteria: Invitae Variant Classification Sherloc (09022015). Collection method: clinical testing. Allele origin: germline.
Comment: This variant results in a copy number gain of the genomic region encompassing exon 90 of the DYNC2H1 gene. The 5' boundary is likely confined to intron 89. The 3' end of this event is unknown as it extends beyond the assayed region for this gene and therefore may encompass additional genes. As the precise location of this event is unknown, it may be in tandem or it may be located elsewhere in the genome. This variant has not been reported in the literature in individuals with DYNC2H1-related conditions. In summary, the available evidence is currently insufficient to determine the role of this variant in disease. Therefore, it has been classified as a Variant of Uncertain Significance.

NC_000011.10:g.(?_103479075)_(103479273_?)dup

Gene: DYNC2H1 (dynein cytoplasmic 2 heavy chain 1; plus strand). Cytogenetic location: 11q22.3.
Variant type: Duplication.
Identifiers: ClinVar variation 831027 (VCV000831027.1).